The following is an entry in ClinVar:

ClinVar aggregate classification (germline): Likely pathogenic. Review status: criteria provided, single submitter (1 of 4 stars). 2 submissions from 2 submitters: Likely pathogenic (1). 1 of the submissions does not count toward it. Last evaluated 2023-11-24.

Conditions:
Ornithine carbamoyltransferase deficiency (OTCD). Also called: ORNITHINE TRANSCARBAMYLASE DEFICIENCY, HYPERAMMONEMIA DUE TO; ORNITHINE TRANSCARBAMYLASE DEFICIENCY; OTC DEFICIENCY; Ornithine Carbamoyltransferase Deficiency Disease. Identifiers: Orphanet 664, MedGen C0268542, MONDO:0010703, OMIM 311250.

Submissions (2):

Labcorp Genetics (formerly Invitae), Labcorp
Classification: Likely pathogenic for Ornithine carbamoyltransferase deficiency. Last evaluated: 2023-11-24. Review status: criteria provided, single submitter. Criteria: Invitae Variant Classification Sherloc (09022015). Collection method: clinical testing. Allele origin: germline.
Comment: This sequence change replaces leucine, which is neutral and non-polar, with proline, which is neutral and non-polar, at codon 201 of the OTC protein (p.Leu201Pro). This variant is not present in population databases (gnomAD no frequency). This missense change has been observed in individual(s) with ornithine transcarbamylase deficiency (PMID: 9286441, 9452024). ClinVar contains an entry for this variant (Variation ID: 97266). Advanced modeling of protein sequence and biophysical properties (such as structural, functional, and spatial information, amino acid conservation, physicochemical variation, residue mobility, and thermodynamic stability) performed at Invitae indicates that this missense variant is expected to disrupt OTC protein function with a positive predictive value of 95%. In summary, the currently available evidence indicates that the variant is pathogenic, but additional data are needed to prove that conclusively. Therefore, this variant has been classified as Likely Pathogenic.

GenMed Metabolism Lab
Classification: Pathogenic. Review status: no assertion criteria provided. Collection method: not provided. Allele origin: unknown. Not counted in ClinVar's aggregate classification.
Comment: p.Leu201Pro, Neonatal
ClinVar note: Converted during submission from pathogenic to Pathogenic.

Literature cited by the submitters: PubMed 9286441 (cited by Labcorp Genetics (formerly Invitae), Labcorp); PubMed 9452024 (cited by Labcorp Genetics (formerly Invitae), Labcorp).

NM_000531.6(OTC):c.602T>C (p.Leu201Pro)

Gene: OTC (ornithine transcarbamylase; plus strand). Cytogenetic location: Xp11.4.
Variant type: single nucleotide variant.
Coding change: c.602T>C on transcript NM_000531.6 (MANE Select); coding-DNA position 602, T replaced by C.
Protein change: p.Leu201Pro; replaces leucine 201 with proline.
Molecular consequence: missense variant.
Genome position (GRCh38, 1-based): chrX:38,403,679, T>C. VCF-style: chrX-38403679-T-C. GRCh37 (hg19) VCF-style: chrX-38262932-T-C.
Other names: short protein forms L201P.
Identifiers: ClinVar variation 97266 (VCV000097266.5), dbSNP rs72558407, ClinGen allele CA224704.